The following is an entry in ClinVar:

NM_001771.4(CD22):c.892G>A (p.Glu298Lys)

Gene: CD22 (CD22 molecule; plus strand). Cytogenetic location: 19q13.12.
Variant type: single nucleotide variant.
Coding change: c.892G>A on transcript NM_001771.4 (MANE Select); coding-DNA position 892, G replaced by A.
Protein change: p.Glu298Lys; replaces glutamic acid 298 with lysine.
Molecular consequence: missense variant. On other transcripts: intron variant (1).
Genome position (GRCh38, 1-based): chr19:35,337,928, G>A. VCF-style: chr19-35337928-G-A. GRCh37 (hg19) VCF-style: chr19-35828831-G-A.
Other names: c.892G>A, p.Glu298Lys (NM_001185099.2, NM_001185100.2); c.376G>A, p.Glu126Lys (NM_001278417.2); c.718+1587G>A (NM_001185101.2); short protein forms E126K, E298K.
Identifiers: ClinVar variation 992557 (VCV000992557.2), dbSNP rs138089449, ClinGen allele CA9376689.

ClinVar aggregate classification (germline): Uncertain significance (1 of 4 stars; one submission).

Allele frequency attached by ClinVar (database versions not stated): 1000 Genomes Project 30x 0.00109; 1000 Genomes Project 0.00120; gnomAD 0.00128 and 0.00131; ExAC 0.00140; gnomAD exomes 0.00151; TOPMed 0.00154; ESP Exome Variant Server 0.00215.
gnomAD v4.1: 4,031 of 1,614,228 alleles (0.25%); highest among the groups gnomAD compares: Non-Finnish European, 0.31%; 9 homozygotes.

Submission:

Center for Genomics, Ann and Robert H. Lurie Children's Hospital of Chicago
Classification: Uncertain significance. Last evaluated: 2021-03-30. Review status: criteria provided, single submitter. Criteria: ACMG Guidelines, 2015. Collection method: clinical testing. Allele origin: germline.
Comment: CD22 NM_001771.3 exon 5 p.Glu298Lys (c.892G>A): This variant has not been reported in the literature but is present in 0.2% (104/35422) of Latino alleles in the Genome Aggregation Database. This variant amino acid Lysine (Lys) is present in >10 species including mammals and is not well conserved among evolutionarily distant species; this suggests that this variant may not impact the protein. Additional computational prediction tools do not suggest an impact. In summary, data on this variant is insufficient for disease classification. Therefore, the clinical significance of this variant is uncertain.